The following is an entry in ClinVar:

ClinVar aggregate classification (germline): Uncertain significance. Review status: criteria provided, multiple submitters, no conflicts (2 of 4 stars). 3 submissions from 2 submitters: Uncertain significance (3). Last evaluated 2025-11-11.

Conditions:
Spherocytosis. Identifiers: MedGen C0553720, HP:0004444.
Hereditary spherocytosis type 1. Also called: Spherocytosis type 1; ANK1-Related Spherocytosis. Identifiers: Orphanet 822, MedGen C2674218, MONDO:0008447, OMIM 182900.

Allele frequency attached by ClinVar (database versions not stated): gnomAD exomes 0.00003 and 0.00006; ExAC 0.00009; 1000 Genomes Project 0.00020; 1000 Genomes Project 30x 0.00031; gnomAD 0.00033 and 0.00035; TOPMed 0.00033; ESP Exome Variant Server 0.00038.
gnomAD v4.1: 89 of 1,614,080 alleles (0.0055%); highest among the groups gnomAD compares: African/African-American, 0.11%; no homozygotes.

Submissions (3):

Labcorp Genetics (formerly Invitae), Labcorp
Classification: Uncertain significance. Last evaluated: 2025-11-11. Review status: criteria provided, single submitter. Criteria: Invitae Variant Classification Sherloc (09022015). Collection method: clinical testing. Allele origin: germline.
Comment: This sequence change falls in intron 4 of the ANK1 gene. It does not directly change the encoded amino acid sequence of the ANK1 protein. It affects a nucleotide within the consensus splice site. This variant is present in population databases (rs374296178, gnomAD 0.1%), and has an allele count higher than expected for a pathogenic variant. This variant has not been reported in the literature in individuals affected with ANK1-related conditions. ClinVar contains an entry for this variant (Variation ID: 908363). Variants that disrupt the consensus splice site are a relatively common cause of aberrant splicing (PMID: 17576681, 9536098). Algorithms developed to predict the effect of sequence changes on RNA splicing suggest that this variant is not likely to affect RNA splicing. In summary, the available evidence is currently insufficient to determine the role of this variant in disease. Therefore, it has been classified as a Variant of Uncertain Significance.

Illumina Laboratory Services, Illumina
Classification: Uncertain significance for Hereditary spherocytosis type 1. Last evaluated: 2018-01-13. Review status: criteria provided, single submitter. Criteria: ICSL Variant Classification Criteria 13 December 2019. Collection method: clinical testing. Allele origin: germline.

Illumina Laboratory Services, Illumina
Classification: Uncertain significance for Spherocytosis. Last evaluated: 2018-01-13. Review status: criteria provided, single submitter. Criteria: ICSL Variant Classification Criteria 13 December 2019. Collection method: clinical testing. Allele origin: germline.

Literature cited by the submitters: PubMed 17576681 (cited by Labcorp Genetics (formerly Invitae), Labcorp); PubMed 9536098 (cited by Labcorp Genetics (formerly Invitae), Labcorp).

NM_000037.4(ANK1):c.327+3A>G

Gene: ANK1 (ankyrin 1; minus strand). Cytogenetic location: 8p11.21.
Variant type: single nucleotide variant.
Coding change: c.327+3A>G on transcript NM_000037.4 (MANE Select); 3 bases into the intron after coding-DNA position 327, A replaced by G.
Molecular consequence: intron variant.
Genome position (GRCh38, 1-based): chr8:41,727,905, T>C on the plus strand (A>G on the coding strand, the complement: ANK1 is on the minus strand). VCF-style: chr8-41727905-T-C. GRCh37 (hg19) VCF-style: chr8-41585423-T-C.
Other names: c.327+3A>G (NM_020477.3, NM_020475.3, NM_020476.3); c.426+3A>G (NM_001142446.2).
Identifiers: ClinVar variation 908363 (VCV000908363.6), dbSNP rs374296178, ClinGen allele CA4729021.